The following is an entry in ClinVar:

ClinVar aggregate classification (germline): Conflicting classifications of pathogenicity. Review status: criteria provided, conflicting classifications (1 of 4 stars). 4 submissions from 4 submitters: Uncertain significance (2); Likely benign (1). 1 of the submissions does not count toward it. Last evaluated 2026-01-16.

Conditions:
NEK1-related disorder. Also called: NEK1-related condition.
Short-rib thoracic dysplasia 6 with or without polydactyly (SRTD6). Also called: POLYDACTYLY WITH NEONATAL CHONDRODYSTROPHY, TYPE II; Majewski Syndrome; SHORT RIB-POLYDACTYLY SYNDROME, TYPE IIA; SHORT-RIB THORACIC DYSPLASIA 6 WITH POLYDACTYLY; SHORT-RIB THORACIC DYSPLASIA 6 WITHOUT POLYDACTYLY. Identifiers: MedGen C0024507, MONDO:0009894, OMIM 263520.

Allele frequency attached by ClinVar (database versions not stated): 1000 Genomes Project 30x 0.00016; 1000 Genomes Project 0.00020; gnomAD 0.00057 and 0.00062; ExAC 0.00016; gnomAD exomes 0.00035 and 0.00016; ESP Exome Variant Server 0.00051; TOPMed 0.00062.
gnomAD v4.1: 342 of 1,613,546 alleles (0.021%); highest among the groups gnomAD compares: Admixed American, 0.11%; no homozygotes.

Submissions (4):

Labcorp Genetics (formerly Invitae), Labcorp
Classification: Likely benign for Short-rib thoracic dysplasia 6 with or without polydactyly. Last evaluated: 2026-01-16. Review status: criteria provided, single submitter. Criteria: Invitae Variant Classification Sherloc (09022015). Collection method: clinical testing. Allele origin: germline.

GeneDx
Classification: Uncertain significance. Last evaluated: 2024-10-28. Review status: criteria provided, single submitter. Criteria: GeneDx Variant Classification Process June 2021. Collection method: clinical testing. Allele origin: germline.
Comment: Identified in a patient with ALS in published literature (PMID: 32462798); In silico analysis supports that this missense variant has a deleterious effect on protein structure/function; This variant is associated with the following publications: (PMID: 32462798)

Illumina Laboratory Services, Illumina
Classification: Uncertain significance for Short-rib thoracic dysplasia 6 with or without polydactyly. Last evaluated: 2018-01-13. Review status: criteria provided, single submitter. Criteria: ICSL Variant Classification Criteria 13 December 2019. Collection method: clinical testing. Allele origin: germline.

PreventionGenetics, part of Exact Sciences
Classification: Likely benign for NEK1-related condition. Last evaluated: 2022-01-31. Review status: no assertion criteria provided. Collection method: clinical testing. Allele origin: germline. Not counted in ClinVar's aggregate classification.
Comment: This variant is classified as likely benign based on ACMG/AMP sequence variant interpretation guidelines (Richards et al. 2015 PMID: 25741868, with internal and published modifications).

NM_001199397.3(NEK1):c.686A>G (p.Tyr229Cys)

Gene: NEK1 (NIMA related kinase 1; minus strand). Cytogenetic location: 4q33.
Variant type: single nucleotide variant.
Coding change: c.686A>G on transcript NM_001199397.3 (MANE Select); coding-DNA position 686, A replaced by G.
Protein change: p.Tyr229Cys; replaces tyrosine 229 with cysteine.
Molecular consequence: missense variant. On other transcripts: non-coding transcript variant (2).
Genome position (GRCh38, 1-based): chr4:169,585,470, T>C on the plus strand (A>G on the coding strand, the complement: NEK1 is on the minus strand). VCF-style: chr4-169585470-T-C. GRCh37 (hg19) VCF-style: chr4-170506621-T-C.
Other names: c.686A>G, p.Tyr229Cys (NM_001199398.3, NM_001199399.3, NM_001199400.3 and 7 more transcripts); short protein forms Y229C.
Identifiers: ClinVar variation 348120 (VCV000348120.18), dbSNP rs61737748, ClinGen allele CA3137975.